The following is an entry in ClinVar:

ClinVar aggregate classification (germline): Uncertain significance. Review status: criteria provided, multiple submitters, no conflicts (2 of 4 stars). 2 submissions from 2 submitters: Uncertain significance (2). Last evaluated 2025-07-30.

Conditions:
Combined immunodeficiency due to STIM1 deficiency. Also called: IMMUNODEFICIENCY 10; STIM1 DEFICIENCY. Identifiers: Orphanet 169090, Orphanet 317430, MedGen C2748557, MONDO:0013008, OMIM 612783.
Myopathy with tubular aggregates (TAM). Also called: Tubular Aggregate Myopathy. Identifiers: Orphanet 2593, MedGen C0410207, MONDO:0008051.
Stormorken syndrome (STRMK). Also called: THROMBOCYTOPATHY, ASPLENIA, AND MIOSIS. Identifiers: Orphanet 3204, MedGen C1861451, MONDO:0008497, OMIM 185070.
Myopathy, tubular aggregate, 1 (TAM1). Identifiers: MedGen C4011726, MONDO:0024531, OMIM 160565.

Allele frequency attached by ClinVar (database versions not stated): ExAC 0.00001; gnomAD exomes 0.00002.
gnomAD v4.1: 10 of 1,612,508 alleles (0.00062%); highest among the groups gnomAD compares: Middle Eastern, 0.019%; no homozygotes.

Submissions (2):

Labcorp Genetics (formerly Invitae), Labcorp
Classification: Uncertain significance for Myopathy with tubular aggregates; Combined immunodeficiency due to STIM1 deficiency; Stormorken syndrome. Last evaluated: 2025-07-30. Review status: criteria provided, single submitter. Criteria: Invitae Variant Classification Sherloc (09022015). Collection method: clinical testing. Allele origin: germline.
Comment: This sequence change replaces valine, which is neutral and non-polar, with leucine, which is neutral and non-polar, at codon 375 of the STIM1 protein (p.Val375Leu). This variant is present in population databases (rs755359690, gnomAD 0.02%). This variant has not been reported in the literature in individuals affected with STIM1-related conditions. ClinVar contains an entry for this variant (Variation ID: 2923740). Invitae Evidence Modeling of protein sequence and biophysical properties (such as structural, functional, and spatial information, amino acid conservation, physicochemical variation, residue mobility, and thermodynamic stability) has been performed for this missense variant. However, the output from this modeling did not meet the statistical confidence thresholds required to predict the impact of this variant on STIM1 protein function. In summary, the available evidence is currently insufficient to determine the role of this variant in disease. Therefore, it has been classified as a Variant of Uncertain Significance.

MVZ Martinsried, Medicover Genetics
Classification: Uncertain significance for Myopathy, tubular aggregate, 1. Last evaluated: 2025-03-27. Review status: criteria provided, single submitter. Criteria: ACGS Guidelines, 2020. Collection method: clinical testing. Allele origin: inherited. Affected: yes. Observed: 3 heterozygotes.

NM_001382567.1(STIM1):c.1123G>C (p.Val375Leu)

Gene: STIM1 (stromal interaction molecule 1; plus strand). Cytogenetic location: 11p15.4.
Variant type: single nucleotide variant.
Coding change: c.1123G>C on transcript NM_001382567.1 (MANE Select); coding-DNA position 1123, G replaced by C.
Protein change: p.Val375Leu; replaces valine 375 with leucine.
Molecular consequence: missense variant. On other transcripts: non-coding transcript variant (2).
Genome position (GRCh38, 1-based): chr11:4,082,337, G>C. VCF-style: chr11-4082337-G-C. GRCh37 (hg19) VCF-style: chr11-4103567-G-C.
Other names: c.1123G>C, p.Val375Leu (NM_001277961.3, NM_001277962.2, NM_001382568.1 and 1 more transcripts); c.901G>C, p.Val301Leu (NM_001382566.1, NM_001382573.1, NM_001382575.1 and 4 more transcripts); c.988G>C, p.Val330Leu (NM_001382569.1); c.895G>C, p.Val299Leu (NM_001382570.1); c.643G>C, p.Val215Leu (NM_001382571.1); c.634G>C, p.Val212Leu (NM_001382580.1, NM_001382581.1); short protein forms V215L, V301L, V212L, V330L, V299L, V375L.
Identifiers: ClinVar variation 2923740 (VCV002923740.4), dbSNP rs755359690, ClinGen allele CA5830385.